The following is an entry in ClinVar:

NM_199242.3(UNC13D):c.1650del (p.Glu551fs)

Gene: UNC13D (unc-13 homolog D; minus strand). Cytogenetic location: 17q25.1.
Variant type: Deletion.
Coding change: c.1650del on transcript NM_199242.3 (MANE Select); coding-DNA position 1650, one base deleted (A; older notation c.1650delA).
Protein change: p.Glu551fs; shifts the reading frame from glutamic acid 551.
Molecular consequence: frameshift variant.
Genome position (GRCh38, 1-based): chr17:75,835,724, T deleted on the plus strand (A on the coding strand, the reverse complement: UNC13D is on the minus strand). VCF-style (leftmost placement, unchanged base first): chr17-75835723-CT-C. GRCh37 (hg19) VCF-style: chr17-73831804-CT-C.
Other names: short protein forms E551fs.
Identifiers: ClinVar variation 839231 (VCV000839231.7), dbSNP rs1442964152, ClinGen allele CA775094674.
Genomic context (GRCh38, chr17:75,835,723, plus strand): 5'-TGCGCAGCTGGCAGAGCTCCTTGAGGCTGATGTAGAGCTGGAACAGACTCTCGCCCATCT[CT>C]GGGGACACTACATCACCCACAACCGTCGTGTGGTCCTGCACCCGCTTGGCCACCTGCAAA-3'

ClinVar aggregate classification (germline): Pathogenic (1 of 4 stars; one submission).

Conditions:
Familial hemophagocytic lymphohistiocytosis 3 (FHL3). Also called: UNC13D-Related Familial Hemophagocytic Lymphohistiocytosis (UNC13D-fHLH). Identifiers: Orphanet 540, MedGen C1837174, MONDO:0012146, OMIM 608898.

Allele frequency attached by ClinVar (database versions not stated): gnomAD exomes 0.00001; TOPMed 0.00001; gnomAD 0.00001.

Submission:

Labcorp Genetics (formerly Invitae), Labcorp
Classification: Pathogenic for Familial hemophagocytic lymphohistiocytosis 3. Last evaluated: 2024-01-14. Review status: criteria provided, single submitter. Criteria: Invitae Variant Classification Sherloc (09022015). Collection method: clinical testing. Allele origin: germline.
Comment: This sequence change creates a premature translational stop signal (p.Glu551Argfs*21) in the UNC13D gene. It is expected to result in an absent or disrupted protein product. Loss-of-function variants in UNC13D are known to be pathogenic (PMID: 14622600). This variant is not present in population databases (gnomAD no frequency). This variant has not been reported in the literature in individuals affected with UNC13D-related conditions. ClinVar contains an entry for this variant (Variation ID: 839231). For these reasons, this variant has been classified as Pathogenic.

Literature cited by the submitters: PubMed 14622600.